The following is an entry in ClinVar:

NM_000458.4(HNF1B):c.73G>A (p.Val25Met)

Gene: HNF1B (HNF1 homeobox B; minus strand). Cytogenetic location: 17q12.
Variant type: single nucleotide variant.
Coding change: c.73G>A on transcript NM_000458.4 (MANE Select); coding-DNA position 73, G replaced by A.
Protein change: p.Val25Met; replaces valine 25 with methionine.
Molecular consequence: missense variant.
Genome position (GRCh38, 1-based): chr17:37,744,812, C>T on the plus strand (G>A on the coding strand, the complement: HNF1B is on the minus strand). VCF-style: chr17-37744812-C-T. GRCh37 (hg19) VCF-style: chr17-36104803-C-T.
Other names: c.73G>A, p.Val25Met (NM_001165923.4, NM_001304286.2, NM_001411100.1); short protein forms V25M.
Identifiers: ClinVar variation 4741492 (VCV004741492.1).
Genomic context (GRCh38, chr17:37,744,812, plus strand): 5'-TCTCCAGCTTCACCCCGAAGTTCGGGGATGGCAGCAACTCCTCCAAGGCCTGAACCAGCA[C>T]CTCCTTGGTGACCCCGGAGCTCAGCAGGGCGCTCAGGAGTTCTTGCTGGAGCGACGTGAG-3'
Protein context (NP_000449.1, residues 15-35): ALLSSGVTKE[Val25Met]LVQALEELLP

ClinVar aggregate classification (germline): Uncertain significance (1 of 4 stars; one submission).

Submission:

Labcorp Genetics (formerly Invitae), Labcorp
Classification: Uncertain significance. Last evaluated: 2025-07-09. Review status: criteria provided, single submitter. Criteria: Invitae Variant Classification Sherloc (09022015). Collection method: clinical testing. Allele origin: germline.
Comment: This sequence change replaces valine, which is neutral and non-polar, with methionine, which is neutral and non-polar, at codon 25 of the HNF1B protein (p.Val25Met). This variant is not present in population databases (gnomAD no frequency). This variant has not been reported in the literature in individuals affected with HNF1B-related conditions. Invitae Evidence Modeling of protein sequence and biophysical properties (such as structural, functional, and spatial information, amino acid conservation, physicochemical variation, residue mobility, and thermodynamic stability) indicates that this missense variant is not expected to disrupt HNF1B protein function with a negative predictive value of 80%. In summary, the available evidence is currently insufficient to determine the role of this variant in disease. Therefore, it has been classified as a Variant of Uncertain Significance.